The following is an entry in ClinVar:

ClinVar aggregate classification (germline): Uncertain significance. Review status: criteria provided, multiple submitters, no conflicts (2 of 4 stars). 2 submissions from 2 submitters: Uncertain significance (2). Last evaluated 2024-02-23.

Conditions:
Fanconi anemia (FA). Also called: Fanconi's anemia. Identifiers: Orphanet 84, MedGen C0015625, MeSH D005199, MONDO:0019391.

Allele frequency attached by ClinVar (database versions not stated): gnomAD exomes below 0.00001 and 0.00001.
gnomAD v4.1: 1 of 1,206,698 alleles (0.000083%); highest among the groups gnomAD compares: East Asian, 0.003%; no homozygotes.

Submissions (2):

Labcorp Genetics (formerly Invitae), Labcorp
Classification: Uncertain significance for Fanconi anemia. Last evaluated: 2024-02-23. Review status: criteria provided, single submitter. Criteria: Invitae Variant Classification Sherloc (09022015). Collection method: clinical testing. Allele origin: germline.
Comment: This sequence change replaces glutamic acid, which is acidic and polar, with lysine, which is basic and polar, at codon 844 of the FANCB protein (p.Glu844Lys). This variant is present in population databases (no rsID available, gnomAD 0.008%). This variant has not been reported in the literature in individuals affected with FANCB-related conditions. ClinVar contains an entry for this variant (Variation ID: 1692536). Advanced modeling of protein sequence and biophysical properties (such as structural, functional, and spatial information, amino acid conservation, physicochemical variation, residue mobility, and thermodynamic stability) performed at Invitae indicates that this missense variant is expected to disrupt FANCB protein function with a positive predictive value of 80%. In summary, the available evidence is currently insufficient to determine the role of this variant in disease. Therefore, it has been classified as a Variant of Uncertain Significance.

Sema4
Classification: Uncertain significance for Fanconi anemia. Last evaluated: 2021-11-26. Review status: criteria provided, single submitter. Criteria: Sema4 Curation Guidelines. Collection method: curation. Allele origin: germline.
Comment: The FANCB c.2530G>A (p.E844K) variant has not been reported in the literature to our knowledge. It was observed in 1/13647 chromosomes of the East Asian subpopulation in the large and broad cohorts of the Genome Aggregation Database (PMID: 32461654). The variant has not been reported in ClinVar. Functional studies have not been performed, and in silico predictions of the variant's effect on protein function are inconclusive. The evidence is insufficient to meet ACMG/AMP criteria for classifying the variant as benign or pathogenic. Thus, the clinical significance of this variant is currently uncertain.

NM_001018113.3(FANCB):c.2530G>A (p.Glu844Lys)

Gene: FANCB (FA complementation group B; minus strand). Cytogenetic location: Xp22.2.
Variant type: single nucleotide variant.
Coding change: c.2530G>A on transcript NM_001018113.3 (MANE Select); coding-DNA position 2530, G replaced by A.
Protein change: p.Glu844Lys; replaces glutamic acid 844 with lysine.
Molecular consequence: missense variant.
Genome position (GRCh38, 1-based): chrX:14,843,617, C>T on the plus strand (G>A on the coding strand, the complement: FANCB is on the minus strand). VCF-style: chrX-14843617-C-T. GRCh37 (hg19) VCF-style: chrX-14861739-C-T.
Other names: c.2530G>A, p.Glu844Lys (NM_001324162.2, NM_152633.4); short protein forms E844K.
Identifiers: ClinVar variation 1692536 (VCV001692536.3), dbSNP rs1247789556, ClinGen allele CA412436920.